The following is an entry in ClinVar:

ClinVar aggregate classification (germline): Benign/Likely benign. Review status: criteria provided, multiple submitters, no conflicts (2 of 4 stars). 9 submissions from 8 submitters: Benign (5); Likely benign (4). Last evaluated 2026-02-03.

Conditions:
Multiple mitochondrial dysfunctions syndrome 10. Identifiers: MedGen C5975413, MONDO:0975806, OMIM 620960.
Hereditary cancer-predisposing syndrome. Also called: Hereditary Cancer Syndrome; Tumor predisposition; Hereditary neoplastic syndrome; Neoplastic Syndromes, Hereditary. Identifiers: Orphanet 140162, MedGen C0027672, MeSH D009386, MONDO:0015356.
Hereditary pheochromocytoma and paraganglioma. Also called: Hereditary Paraganglioma-Pheochromocytoma Syndromes; Hereditary paragangliomas and pheochromocytomas; Hereditary pheochromocytoma-paraganglioma. Identifiers: Orphanet 29072, MedGen C4274332, MONDO:0017366.
Pheochromocytoma. Also called: MAX-Related Hereditary Paraganglioma-Pheochromocytoma Syndrome. Identifiers: Orphanet 29072, MedGen C0031511, MONDO:0008233, OMIM 171300, HP:0002666.

Allele frequency attached by ClinVar (database versions not stated): gnomAD 0.00036 and 0.00052; ExAC 0.00049; TOPMed 0.00068; 1000 Genomes Project 0.00160; 1000 Genomes Project 30x 0.00281.
gnomAD v4.1: 415 of 1,520,940 alleles (0.027%); highest among the groups gnomAD compares: East Asian, 0.66%; 2 homozygotes.

Submissions (9):

Labcorp Genetics (formerly Invitae), Labcorp
Classification: Benign for Hereditary pheochromocytoma and paraganglioma. Last evaluated: 2026-02-03. Review status: criteria provided, single submitter. Criteria: Invitae Variant Classification Sherloc (09022015). Collection method: clinical testing. Allele origin: germline.

Quest Diagnostics Nichols Institute San Juan Capistrano
Classification: Benign. Last evaluated: 2025-05-08. Review status: criteria provided, single submitter. Criteria: Quest Diagnostics criteria. Collection method: clinical testing. Allele origin: unknown.

KCCC/NGS Laboratory, Kuwait Cancer Control Center
Classification: Benign for Multiple mitochondrial dysfunctions syndrome 10. Last evaluated: 2025-02-01. Review status: criteria provided, single submitter. Criteria: ACMG Guidelines, 2015. Collection method: clinical testing. Allele origin: germline. Affected: no.

Blueprint Genetics
Classification: Likely benign. Last evaluated: 2024-10-23. Review status: criteria provided, single submitter. Criteria: ACMG Guidelines, 2015. Collection method: clinical testing. Allele origin: germline.

KCCC/NGS Laboratory, Kuwait Cancer Control Center
Classification: Benign for Pheochromocytoma. Last evaluated: 2023-07-07. Review status: criteria provided, single submitter. Criteria: ACMG Guidelines, 2015. Collection method: clinical testing. Allele origin: germline. Affected: yes.

Women's Health and Genetics/Laboratory Corporation of America, LabCorp
Classification: Likely benign. Last evaluated: 2022-06-23. Review status: criteria provided, single submitter. Criteria: LabCorp Variant Classification Summary - May 2015. Collection method: clinical testing. Allele origin: germline.

Sema4
Classification: Likely benign for Hereditary cancer-predisposing syndrome. Last evaluated: 2021-09-29. Review status: criteria provided, single submitter. Criteria: Sema4 Curation Guidelines. Collection method: curation. Allele origin: germline.

Ambry Genetics
Classification: Likely benign for Hereditary cancer-predisposing syndrome. Last evaluated: 2019-03-26. Review status: criteria provided, single submitter. Criteria: Ambry Variant Classification Scheme 2023. Collection method: clinical testing. Allele origin: germline.

Illumina Laboratory Services, Illumina
Classification: Benign for Pheochromocytoma. Last evaluated: 2018-01-13. Review status: criteria provided, single submitter. Criteria: ICSL Variant Classification Criteria 13 December 2019. Collection method: clinical testing. Allele origin: germline.
Comment: This variant was observed in the ICSL laboratory as part of a predisposition screen in an ostensibly healthy population. It had not been previously curated by ICSL or reported in the Human Gene Mutation Database (HGMD: prior to June 1st, 2018), and was therefore a candidate for classification through an automated scoring system. Utilizing variant allele frequency, disease prevalence and penetrance estimates, and inheritance mode, an automated score was calculated to assess if this variant is too frequent to cause the disease. Based on the score and internal cut-off values, a variant classified as benign is not then subjected to further curation. The score for this variant resulted in a classification of benign for this disease.

Literature cited by the submitters: PubMed 26267327 (cited by 3 submitters); PubMed 33051659 (cited by Quest Diagnostics Nichols Institute San Juan Capistrano and Sema4); PubMed 33219105 (cited by Sema4).

NM_017849.4(TMEM127):c.53C>T (p.Pro18Leu)

Genes: CIAO1 (cytosolic iron-sulfur assembly component 1; plus strand), TMEM127 (transmembrane protein 127; minus strand), LOC129934333 (ATAC-STARR-seq lymphoblastoid silent region 11759; plus strand). Cytogenetic location: 2q11.2.
Variant type: single nucleotide variant.
Coding change: c.53C>T on transcript NM_017849.4 (MANE Select); coding-DNA position 53, C replaced by T.
Protein change: p.Pro18Leu; replaces proline 18 with leucine.
Molecular consequence: missense variant.
Genome position (GRCh38, 1-based): chr2:96,265,329, G>A on the plus strand (C>T on the coding strand, the complement: TMEM127 is on the minus strand). VCF-style: chr2-96265329-G-A. GRCh37 (hg19) VCF-style: chr2-96931067-G-A.
Other names: c.53C>T, p.Pro18Leu (NM_001193304.3); c.53C>T (NM_001193304.2); short protein forms P18L.
Identifiers: ClinVar variation 241226 (VCV000241226.25), dbSNP rs377740271, ClinGen allele CA1777405.
Genomic context (GRCh38, chr2:96,265,329, plus strand): 5'-GCGCCAGGCAGGGCCGAGGCCAGGCTACGCTCCGGCTGCTTGGGCAGAGCGCTGCCTCCC[G>A]GGCTCCTCCGCCGGCGCCCGCCGGGCAGCCCTGCGCCTCCGGGGGCGTACATGCCCGGGG-3'
Protein context (NP_060319.1, residues 8-28): GLPGGRRRRS[Pro18Leu]GGSALPKQPE